The following is an entry in ClinVar:

NM_001348716.2(KDM6B):c.1130C>T (p.Ala377Val)

Gene: KDM6B (lysine demethylase 6B; plus strand). Cytogenetic location: 17p13.1.
Variant type: single nucleotide variant.
Coding change: c.1130C>T on transcript NM_001348716.2 (MANE Select); coding-DNA position 1130, C replaced by T.
Protein change: p.Ala377Val; replaces alanine 377 with valine.
Molecular consequence: missense variant.
Genome position (GRCh38, 1-based): chr17:7,847,325, C>T. VCF-style: chr17-7847325-C-T. GRCh37 (hg19) VCF-style: chr17-7750643-C-T.
Other names: c.1130C>T, p.Ala377Val (NM_001080424.2); short protein forms A377V.
Identifiers: ClinVar variation 1335247 (VCV001335247.35), dbSNP rs575929747, ClinGen allele CA8360514.
Genomic context (GRCh38, chr17:7,847,325, plus strand): 5'-GAAGTGACCTTAGAGAGAGCAGAGTTCAGAGGTCGCGGATGGACTCCAGCGTTTCACCAG[C>T]AGCAACCACCGCCTGCGTGCCTTACGCCCCTTCCCGGCCCCCTGGCCTCCCCGGCACCAC-3'
Protein context (NP_001335645.1, residues 367-387): RSRMDSSVSP[Ala377Val]ATTACVPYAP

ClinVar aggregate classification (germline): Likely benign (1 of 4 stars; one submission).

Allele frequency attached by ClinVar (database versions not stated): gnomAD 0.00001 and 0.00003; TOPMed 0.00002; ExAC 0.00010; 1000 Genomes Project 0.00020; 1000 Genomes Project 30x 0.00031.
gnomAD v4.1: 129 of 1,609,140 alleles (0.008%); highest among the groups gnomAD compares: South Asian, 0.086%; no homozygotes.

Submission:

CeGaT Center for Human Genetics Tuebingen
Classification: Likely benign. Last evaluated: 2024-01-01. Review status: criteria provided, single submitter. Criteria: CeGaT Center For Human Genetics Tuebingen Variant Classification Criteria Version 2. Collection method: clinical testing. Allele origin: germline. Affected: yes. Observed: 3 variant alleles.
Comment: KDM6B: BS2